The following is an entry in ClinVar:

ClinVar aggregate classification (germline): Uncertain significance (1 of 4 stars; one submission).

Conditions:
Ullrich congenital muscular dystrophy 2 (UCMD2). Identifiers: Orphanet 75840, MedGen C4225314, MONDO:0014654, OMIM 616470.
Bethlem myopathy 2 (BTHLM2). Identifiers: Orphanet 536516, Orphanet 610, MedGen C4225313, MONDO:0034022, OMIM 616471.

Allele frequency attached by ClinVar (database versions not stated): gnomAD exomes below 0.00001; TOPMed below 0.00001.
gnomAD v4.1: 2 of 1,613,256 alleles (0.00012%); highest among the groups gnomAD compares: Middle Eastern, 0.017%; no homozygotes.

Submission:

Labcorp Genetics (formerly Invitae), Labcorp
Classification: Uncertain significance for Bethlem myopathy 2; Ullrich congenital muscular dystrophy 2. Last evaluated: 2022-06-27. Review status: criteria provided, single submitter. Criteria: Invitae Variant Classification Sherloc (09022015). Collection method: clinical testing. Allele origin: germline.
Comment: In summary, the available evidence is currently insufficient to determine the role of this variant in disease. Therefore, it has been classified as a Variant of Uncertain Significance. Algorithms developed to predict the effect of missense changes on protein structure and function are either unavailable or do not agree on the potential impact of this missense change (SIFT: "Tolerated"; PolyPhen-2: "Possibly Damaging"; Align-GVGD: "Class C0"). This variant has not been reported in the literature in individuals affected with COL12A1-related conditions. This variant is not present in population databases (gnomAD no frequency). This sequence change replaces threonine, which is neutral and polar, with asparagine, which is neutral and polar, at codon 1353 of the COL12A1 protein (p.Thr1353Asn).

NM_004370.6(COL12A1):c.4058C>A (p.Thr1353Asn)

Gene: COL12A1 (collagen type XII alpha 1 chain; minus strand). Cytogenetic location: 6q13.
Variant type: single nucleotide variant.
Coding change: c.4058C>A on transcript NM_004370.6 (MANE Select); coding-DNA position 4058, C replaced by A.
Protein change: p.Thr1353Asn; replaces threonine 1353 with asparagine.
Molecular consequence: missense variant.
Genome position (GRCh38, 1-based): chr6:75,151,230, G>T on the plus strand (C>A on the coding strand, the complement: COL12A1 is on the minus strand). VCF-style: chr6-75151230-G-T. GRCh37 (hg19) VCF-style: chr6-75860946-G-T.
Other names: c.566C>A, p.Thr189Asn (NM_080645.3); short protein forms T1353N, T189N.
Identifiers: ClinVar variation 1401940 (VCV001401940.8), dbSNP rs913180274, ClinGen allele CA141004244.